The following is an entry in ClinVar:

NM_003054.6(SLC18A2):c.301A>G (p.Thr101Ala)

Gene: SLC18A2 (solute carrier family 18 member A2; plus strand). Cytogenetic location: 10q25.3.
Variant type: single nucleotide variant.
Coding change: c.301A>G on transcript NM_003054.6 (MANE Select); coding-DNA position 301, A replaced by G.
Protein change: p.Thr101Ala; replaces threonine 101 with alanine.
Molecular consequence: missense variant.
Genome position (GRCh38, 1-based): chr10:117,244,150, A>G. VCF-style: chr10-117244150-A-G. GRCh37 (hg19) VCF-style: chr10-119003661-A-G.
Other names: short protein forms T101A.
Identifiers: ClinVar variation 1434543 (VCV001434543.5), dbSNP rs1589976866, ClinGen allele CA378508811.
Genomic context (GRCh38, chr10:117,244,150, plus strand): 5'-TATTATGATAACTCGACTATGGTCACCGGGAATGCTACCAGAGACCTGACACTTCATCAG[A>G]CCGCCACACAGCACATGGTGACCAACGCGTCCGCTGTTCCTTCCGACTGTCCCAGTGAAG-3'
Protein context (NP_003045.2, residues 91-111): NATRDLTLHQ[Thr101Ala]ATQHMVTNAS

ClinVar aggregate classification (germline): Uncertain significance (1 of 4 stars; one submission).

Allele frequency attached by ClinVar (database versions not stated): gnomAD exomes below 0.00001.

Submission:

Labcorp Genetics (formerly Invitae), Labcorp
Classification: Uncertain significance. Last evaluated: 2022-08-09. Review status: criteria provided, single submitter. Criteria: Invitae Variant Classification Sherloc (09022015). Collection method: clinical testing. Allele origin: germline.
Comment: This sequence change replaces threonine, which is neutral and polar, with alanine, which is neutral and non-polar, at codon 101 of the SLC18A2 protein (p.Thr101Ala). This variant is not present in population databases (gnomAD no frequency). This variant has not been reported in the literature in individuals affected with SLC18A2-related conditions. ClinVar contains an entry for this variant (Variation ID: 1434543). Algorithms developed to predict the effect of missense changes on protein structure and function output the following: SIFT: "Tolerated"; PolyPhen-2: "Benign"; Align-GVGD: "Class C0". The alanine amino acid residue is found in multiple mammalian species, which suggests that this missense change does not adversely affect protein function. In summary, the available evidence is currently insufficient to determine the role of this variant in disease. Therefore, it has been classified as a Variant of Uncertain Significance.